The following is an entry in ClinVar:

NM_001164508.2(NEB):c.580C>T (p.Gln194Ter)

Gene: NEB (nebulin; minus strand). Cytogenetic location: 2q23.3.
Variant type: single nucleotide variant.
Coding change: c.580C>T on transcript NM_001164508.2 (MANE Select); coding-DNA position 580, C replaced by T.
Protein change: p.Gln194Ter; replaces glutamine 194 with a stop codon.
Molecular consequence: nonsense.
Genome position (GRCh38, 1-based): chr2:151,724,292, G>A on the plus strand (C>T on the coding strand, the complement: NEB is on the minus strand). VCF-style: chr2-151724292-G-A. GRCh37 (hg19) VCF-style: chr2-152580806-G-A.
Other names: c.580C>T, p.Gln194Ter (NM_001164507.2, NM_001271208.2, NM_004543.5); short protein forms Q194*.
Identifiers: ClinVar variation 961628 (VCV000961628.9), dbSNP rs1032240985, ClinGen allele CA348791984.
Genomic context (GRCh38, chr2:151,724,292, plus strand): 5'-CAGAAGTGGCAATGGAGCAGACCCTTACCTTGCTGAACATGGCGGTGTTCTTAACGGCCT[G>A]GACAAGTTCAGGGGCATCAGGAGGAAGCAGGTACTTATCCTTGGTGTCTTCCCAGTTCTG-3'

ClinVar aggregate classification (germline): Pathogenic/Likely pathogenic. Review status: criteria provided, multiple submitters, no conflicts (2 of 4 stars). 3 submissions from 3 submitters: Pathogenic (1); Likely pathogenic (2). Last evaluated 2026-01-22.

Conditions:
Arthrogryposis multiplex congenita 6. Identifiers: MedGen C5543431, MONDO:0030281, OMIM 619334.
Nemaline myopathy 2 (NEM2). Also called: Nemaline myopathy 2, autosomal recessive. Identifiers: MedGen C1850569, MONDO:0009725, OMIM 256030.

Allele frequency attached by ClinVar (database versions not stated): gnomAD 0.00001; gnomAD exomes 0.00001; TOPMed 0.00001.
gnomAD v4.1: 10 of 1,613,010 alleles (0.00062%); highest among the groups gnomAD compares: African/African-American, 0.0013%; no homozygotes.

Submissions (3):

Natera, Inc.
Classification: Likely pathogenic for Nemaline myopathy type 2. Last evaluated: 2026-01-22. Review status: criteria provided, single submitter. Criteria: Natera Variant Classification Schema (03/2026). Collection method: clinical testing. Allele origin: germline.
Comment: The c.580C>T variant in NEB is a nonsense variant predicted to introduce a stop codon at amino acid 194. This variant is expected to result in nonsense mediated decay, truncation, or a dysfunctional protein product. This variant is rare in the general population with a frequency below the threshold expected for the associated phenotype(s). Given the available evidence, this variant is classified as Likely Pathogenic.

Baylor Genetics
Classification: Likely pathogenic for Arthrogryposis multiplex congenita 6. Last evaluated: 2023-04-28. Review status: criteria provided, single submitter. Criteria: ACMG Guidelines, 2015. Collection method: clinical testing. Allele origin: unknown.

Labcorp Genetics (formerly Invitae), Labcorp
Classification: Pathogenic for Nemaline myopathy 2. Last evaluated: 2023-02-20. Review status: criteria provided, single submitter. Criteria: Invitae Variant Classification Sherloc (09022015). Collection method: clinical testing. Allele origin: germline.
Comment: For these reasons, this variant has been classified as Pathogenic. ClinVar contains an entry for this variant (Variation ID: 961628). This variant has not been reported in the literature in individuals affected with NEB-related conditions. This variant is not present in population databases (gnomAD no frequency). This sequence change creates a premature translational stop signal (p.Gln194*) in the NEB gene. It is expected to result in an absent or disrupted protein product. Loss-of-function variants in NEB are known to be pathogenic (PMID: 25205138).

Literature cited by the submitters: PubMed 25205138 (cited by Labcorp Genetics (formerly Invitae), Labcorp).